The following is an entry in ClinVar:

NM_203447.4(DOCK8):c.1780G>A (p.Ala594Thr)

Gene: DOCK8 (dedicator of cytokinesis 8; plus strand). Cytogenetic location: 9p24.3.
Variant type: single nucleotide variant.
Coding change: c.1780G>A on transcript NM_203447.4 (MANE Select); coding-DNA position 1780, G replaced by A.
Protein change: p.Ala594Thr; replaces alanine 594 with threonine.
Molecular consequence: missense variant.
Genome position (GRCh38, 1-based): chr9:368,118, G>A. VCF-style: chr9-368118-G-A. GRCh37 (hg19) VCF-style: chr9-368118-G-A.
Other names: c.1576G>A, p.Ala526Thr (NM_001190458.2, NM_001193536.2); short protein forms A526T, A594T.
Identifiers: ClinVar variation 4811275 (VCV004811275.2).

ClinVar aggregate classification (germline): Uncertain significance. Review status: criteria provided, multiple submitters, no conflicts (2 of 4 stars). 2 submissions from 2 submitters: Uncertain significance (2). Last evaluated 2025-05-13.

Conditions:
Combined immunodeficiency due to DOCK8 deficiency (HIES2). Also called: HIES autosomal recessive; Hyper-IgE recurrent infection syndrome, autosomal recessive; HYPER-IgE RECURRENT INFECTION SYNDROME 2, AUTOSOMAL RECESSIVE; HYPER-IgE SYNDROME 2, AUTOSOMAL RECESSIVE, WITH RECURRENT INFECTIONS; DOCK8 Deficiency. Identifiers: Orphanet 217390, MedGen C4722305, MONDO:0009478, OMIM 243700.

gnomAD v4.1: 23 of 1,613,990 alleles (0.0014%); highest among the groups gnomAD compares: South Asian, 0.024%; no homozygotes.

Submissions (2):

Labcorp Genetics (formerly Invitae), Labcorp
Classification: Uncertain significance for Combined immunodeficiency due to DOCK8 deficiency. Last evaluated: 2025-05-13. Review status: criteria provided, single submitter. Criteria: Invitae Variant Classification Sherloc (09022015). Collection method: clinical testing. Allele origin: germline.
Comment: This sequence change replaces alanine, which is neutral and non-polar, with threonine, which is neutral and polar, at codon 594 of the DOCK8 protein (p.Ala594Thr). This variant is present in population databases (rs779355260, gnomAD 0.04%). This variant has not been reported in the literature in individuals affected with DOCK8-related conditions. Invitae Evidence Modeling of protein sequence and biophysical properties (such as structural, functional, and spatial information, amino acid conservation, physicochemical variation, residue mobility, and thermodynamic stability) indicates that this missense variant is not expected to disrupt DOCK8 protein function with a negative predictive value of 80%. In summary, the available evidence is currently insufficient to determine the role of this variant in disease. Therefore, it has been classified as a Variant of Uncertain Significance.

Blueprint Genetics
Classification: Uncertain significance. Last evaluated: 2020-02-21. Review status: criteria provided, single submitter. Criteria: ACMG Guidelines, 2015. Collection method: clinical testing. Allele origin: germline.